The following is an entry in ClinVar:

ClinVar aggregate classification (germline): Conflicting classifications of pathogenicity. Review status: criteria provided, conflicting classifications (1 of 4 stars). 3 submissions from 3 submitters: Likely pathogenic (1); Uncertain significance (2). Last evaluated 2025-02-16.

Conditions:
Catecholaminergic polymorphic ventricular tachycardia 1. Also called: VENTRICULAR TACHYCARDIA, CATECHOLAMINERGIC POLYMORPHIC, 1, WITH OR WITHOUT ATRIAL DYSFUNCTION AND/OR DILATED CARDIOMYOPATHY; RYR2-Related Catecholaminergic Polymorphic Ventricular Tachycardia; VENTRICULAR TACHYCARDIA, STRESS-INDUCED POLYMORPHIC 1. Identifiers: Orphanet 3286, MedGen C1631597, MONDO:0011484, OMIM 604772.

Submissions (3):

Laboratory of Genetics, Children's Clinical University Hospital Latvia
Classification: Likely pathogenic. Last evaluated: 2025-02-16. Review status: criteria provided, single submitter. Criteria: ACMG Guidelines, 2015. Collection method: clinical testing. Allele origin: germline. Affected: yes.

Labcorp Genetics (formerly Invitae), Labcorp
Classification: Uncertain significance for Catecholaminergic polymorphic ventricular tachycardia 1. Last evaluated: 2023-09-08. Review status: criteria provided, single submitter. Criteria: Invitae Variant Classification Sherloc (09022015). Collection method: clinical testing. Allele origin: germline.
Comment: This variant has not been reported in the literature in individuals affected with RYR2-related conditions. This sequence change replaces valine, which is neutral and non-polar, with alanine, which is neutral and non-polar, at codon 4165 of the RYR2 protein (p.Val4165Ala). This variant is not present in population databases (gnomAD no frequency). Advanced modeling of protein sequence and biophysical properties (such as structural, functional, and spatial information, amino acid conservation, physicochemical variation, residue mobility, and thermodynamic stability) performed at Invitae indicates that this missense variant is expected to disrupt RYR2 protein function. In summary, the available evidence is currently insufficient to determine the role of this variant in disease. Therefore, it has been classified as a Variant of Uncertain Significance.

Blueprint Genetics
Classification: Uncertain significance. Last evaluated: 2021-11-09. Review status: criteria provided, single submitter. Criteria: ACMG Guidelines, 2015. Collection method: clinical testing. Allele origin: germline.

NM_001035.3(RYR2):c.12494T>C (p.Val4165Ala)

Genes: RYR2 (ryanodine receptor 2; plus strand), LOC126806068 (BRD4-independent group 4 enhancer GRCh37_chr1:237947411-237948610; plus strand). Cytogenetic location: 1q43.
Variant type: single nucleotide variant.
Coding change: c.12494T>C on transcript NM_001035.3 (MANE Select); coding-DNA position 12494, T replaced by C.
Protein change: p.Val4165Ala; replaces valine 4165 with alanine.
Molecular consequence: missense variant.
Genome position (GRCh38, 1-based): chr1:237,784,206, T>C. VCF-style: chr1-237784206-T-C. GRCh37 (hg19) VCF-style: chr1-237947506-T-C.
Other names: short protein forms V4165A.
Identifiers: ClinVar variation 2758843 (VCV002758843.5), dbSNP rs2527785359, ClinGen allele CA345413470.
Genomic context (GRCh38, chr1:237,784,206, plus strand): 5'-TCGAGAGGGTCTATTTTGAAATCAGTGAGTCCAGCCGAACCCAGTGGGAGAAGCCCCAGG[T>C]CAAGGAGTCCAAAAGACAGTTCATATTTGACGTGGTCAACGAAGGCGGAGAGAAAGAGAA-3'
Protein context (NP_001026.2, residues 4155-4175): SSRTQWEKPQ[Val4165Ala]KESKRQFIFD